The following is an entry in ClinVar:

NM_001267550.2(TTN):c.30598+6A>G

Gene: TTN (titin; minus strand). Cytogenetic location: 2q31.2.
Variant type: single nucleotide variant.
Coding change: c.30598+6A>G on transcript NM_001267550.2 (MANE Select); 6 bases into the intron after coding-DNA position 30598, A replaced by G.
Molecular consequence: intron variant.
Genome position (GRCh38, 1-based): chr2:178,701,522, T>C on the plus strand (A>G on the coding strand, the complement: TTN is on the minus strand). VCF-style: chr2-178701522-T-C. GRCh37 (hg19) VCF-style: chr2-179566249-T-C.
Other names: c.13282+36560A>G (NM_003319.4); c.13858+36560A>G (NM_133437.4); c.13657+36560A>G (NM_133432.3); c.26866+6A>G (NM_133378.4); c.29647+6A>G (NM_001256850.1).
Identifiers: ClinVar variation 509903 (VCV000509903.1), dbSNP rs749100259, ClinGen allele CA1999108.

ClinVar aggregate classification (germline): Likely benign (1 of 4 stars; one submission).

Allele frequency attached by ClinVar (database versions not stated): gnomAD 0.00001 and 0.00003; TOPMed 0.00001; ExAC 0.00001; gnomAD exomes 0.00001.
gnomAD v4.1: 15 of 1,612,218 alleles (0.00093%); highest among the groups gnomAD compares: Admixed American, 0.0017%; no homozygotes.

Submission:

GeneDx
Classification: Likely benign. Last evaluated: 2017-05-24. Review status: criteria provided, single submitter. Criteria: GeneDx Variant Classification (06012015). Collection method: clinical testing. Allele origin: germline. Affected: yes.
Comment: This variant is considered likely benign or benign based on one or more of the following criteria: it is a conservative change, it occurs at a poorly conserved position in the protein, it is predicted to be benign by multiple in silico algorithms, and/or has population frequency not consistent with disease.